The following is an entry in ClinVar:

ClinVar aggregate classification (germline): Conflicting classifications of pathogenicity. Review status: criteria provided, conflicting classifications (1 of 4 stars). 2 submissions from 2 submitters: Uncertain significance (1); Likely benign (1). Last evaluated 2026-01-01.

Conditions:
Inborn genetic diseases. Identifiers: MedGen C0950123, MeSH D030342.

gnomAD v4.1: 8 of 1,613,614 alleles (0.0005%); highest among the groups gnomAD compares: Admixed American, 0.013%; no homozygotes.

Submissions (2):

CeGaT Center for Human Genetics Tuebingen
Classification: Likely benign. Last evaluated: 2026-01-01. Review status: criteria provided, single submitter. Criteria: CeGaT Center For Human Genetics Tuebingen Variant Classification Criteria Version 2. Collection method: clinical testing. Allele origin: germline. Affected: yes. Observed: 1 variant allele.
Comment: CUX2: BS2

Ambry Genetics
Classification: Uncertain significance for Inborn genetic diseases. Last evaluated: 2024-10-16. Review status: criteria provided, single submitter. Criteria: Ambry Variant Classification Scheme 2023. Collection method: clinical testing. Allele origin: germline.

NM_015267.4(CUX2):c.1683G>C (p.Gln561His)

Gene: CUX2 (cut like homeobox 2; plus strand). Cytogenetic location: 12q24.12.
Variant type: single nucleotide variant.
Coding change: c.1683G>C on transcript NM_015267.4 (MANE Select); coding-DNA position 1683, G replaced by C.
Protein change: p.Gln561His; replaces glutamine 561 with histidine.
Molecular consequence: missense variant.
Genome position (GRCh38, 1-based): chr12:111,310,465, G>C. VCF-style: chr12-111310465-G-C. GRCh37 (hg19) VCF-style: chr12-111748269-G-C.
Other names: c.1497G>C, p.Gln499His (NM_001370598.1); short protein forms Q561H, Q499H.
Identifiers: ClinVar variation 3498744 (VCV003498744.5).
Genomic context (GRCh38, chr12:111,310,465, plus strand): 5'-CGGAGCGGCGGGGCCCGGGGCAGAGGAGGAGCAGCTGGACACGGCAGAGATCGCCTTCCA[G>C]GTGAAGGAGCAGCTGCTGAAACACAACATCGGGCAGCGGGTGTTTGGGCATTACGTGCTG-3'
Protein context (NP_056082.2, residues 551-571): EQLDTAEIAF[Gln561His]VKEQLLKHNI